The following is an entry in ClinVar:

NM_024675.4(PALB2):c.22C>A (p.Pro8Thr)

Gene: PALB2 (partner and localizer of BRCA2; minus strand). Cytogenetic location: 16p12.2.
Variant type: single nucleotide variant.
Coding change: c.22C>A on transcript NM_024675.4 (MANE Select); coding-DNA position 22, C replaced by A.
Protein change: p.Pro8Thr; replaces proline 8 with threonine.
Molecular consequence: missense variant.
Genome position (GRCh38, 1-based): chr16:23,641,136, G>T on the plus strand (C>A on the coding strand, the complement: PALB2 is on the minus strand). VCF-style: chr16-23641136-G-T. GRCh37 (hg19) VCF-style: chr16-23652457-G-T.
Other names: short protein forms P8T.
Identifiers: ClinVar variation 629191 (VCV000629191.19), dbSNP rs876660586, ClinGen allele CA395141153.

ClinVar aggregate classification (germline): Conflicting classifications of pathogenicity. Review status: criteria provided, conflicting classifications (1 of 4 stars). 4 submissions from 4 submitters: Uncertain significance (3); Likely benign (1). Last evaluated 2025-04-07.

Conditions:
Breast-ovarian cancer, familial, susceptibility to, 5 (BROVCA5). Identifiers: MedGen C5830615, MONDO:0957530, OMIM 620442.
Hereditary cancer-predisposing syndrome. Also called: Neoplastic Syndromes, Hereditary; Tumor predisposition; Hereditary neoplastic syndrome; Hereditary Cancer Syndrome. Identifiers: Orphanet 140162, MedGen C0027672, MeSH D009386, MONDO:0015356.
Familial cancer of breast. Also called: BREAST CANCER, FAMILIAL; Hereditary breast cancer; hereditary breast carcinoma. Identifiers: Orphanet 227535, MedGen C0346153, MONDO:0016419, OMIM 114480. Disease mechanism: loss of function.

gnomAD v4.1: 1 of 1,613,464 alleles (0.000062%); highest among the groups gnomAD compares: Non-Finnish European, 0.000085%; no homozygotes.

Submissions (4):

Labcorp Genetics (formerly Invitae), Labcorp
Classification: Uncertain significance for Familial cancer of breast. Last evaluated: 2025-04-07. Review status: criteria provided, single submitter. Criteria: Invitae Variant Classification Sherloc (09022015). Collection method: clinical testing. Allele origin: germline.
Comment: This sequence change replaces proline, which is neutral and non-polar, with threonine, which is neutral and polar, at codon 8 of the PALB2 protein (p.Pro8Thr). This variant is not present in population databases (gnomAD no frequency). This missense change has been observed in individual(s) with breast cancer (PMID: 26976419). ClinVar contains an entry for this variant (Variation ID: 629191). An algorithm developed to predict the effect of missense changes on protein structure and function outputs the following: PolyPhen-2: "Benign". The threonine amino acid residue is found in multiple mammalian species, which suggests that this missense change does not adversely affect protein function. In summary, the available evidence is currently insufficient to determine the role of this variant in disease. Therefore, it has been classified as a Variant of Uncertain Significance.

Ambry Genetics
Classification: Likely benign for Hereditary cancer-predisposing syndrome. Last evaluated: 2024-08-21. Review status: criteria provided, single submitter. Criteria: Ambry Variant Classification Scheme 2023. Collection method: clinical testing. Allele origin: germline.

Department of Pathology and Laboratory Medicine, Sinai Health System
Classification: Uncertain significance for Breast-ovarian cancer, familial, susceptibility to, 5. Last evaluated: 2022-08-29. Review status: criteria provided, single submitter. Criteria: ACMG Guidelines, 2015. Collection method: clinical testing. Allele origin: germline. Affected: yes.

Color Diagnostics, LLC DBA Color Health
Classification: Uncertain significance for Hereditary cancer-predisposing syndrome. Last evaluated: 2021-04-19. Review status: criteria provided, single submitter. Criteria: ACMG Guidelines, 2015. Collection method: clinical testing. Allele origin: germline.
Comment: This missense variant replaces proline with threonine at codon 8 of the PALB2 protein. Computational prediction suggests that this variant may not impact protein structure and function (internally defined REVEL score threshold <= 0.5, PMID: 27666373). To our knowledge, functional studies have not been reported for this variant. This variant has been reported in a breast cancer case-control study in one affected and one unaffected individual (PMID: 33471991; Leiden Open Variation Database DB-ID PALB2_011234), and in an individual affected with breast cancer who also has a pathogenic BRCA1 covariant (PMID: 26976419). This variant has not been identified in the general population by the Genome Aggregation Database (gnomAD). The available evidence is insufficient to determine the role of this variant in disease conclusively. Therefore, this variant is classified as a Variant of Uncertain Significance.

Literature cited by the submitters: PubMed 26976419 (cited by Labcorp Genetics (formerly Invitae), Labcorp and Department of Pathology and Laboratory Medicine, Sinai Health System); PubMed 33471991 (cited by Department of Pathology and Laboratory Medicine, Sinai Health System).